The following is an entry in ClinVar:

ClinVar aggregate classification (germline): Likely benign. Review status: criteria provided, multiple submitters, no conflicts (2 of 4 stars). 7 submissions from 7 submitters: Likely benign (4). 3 of the submissions do not count toward it. Last evaluated 2026-02-01.

Conditions:
DTNBP1-related disorder. Also called: DTNBP1-related condition.

Allele frequency attached by ClinVar (database versions not stated): gnomAD exomes 0.00056; ExAC 0.00077; gnomAD 0.00198 and 0.00215; ESP Exome Variant Server 0.00208; TOPMed 0.00253; 1000 Genomes Project 30x 0.00344; 1000 Genomes Project 0.00359.
gnomAD v4.1: 821 of 1,613,920 alleles (0.051%); highest among the groups gnomAD compares: African/African-American, 0.61%; 3 homozygotes.

Submissions (7):

Labcorp Genetics (formerly Invitae), Labcorp
Classification: Likely benign. Last evaluated: 2026-02-01. Review status: criteria provided, single submitter. Criteria: Invitae Variant Classification Sherloc (09022015). Collection method: clinical testing. Allele origin: germline.

Mayo Clinic Laboratories, Mayo Clinic
Classification: Likely benign. Last evaluated: 2025-10-21. Review status: criteria provided, single submitter. Criteria: ACMG Guidelines, 2015. Collection method: clinical testing. Allele origin: germline. Observed: 3 variant alleles.
Comment: BS1

Blueprint Genetics
Classification: Likely benign. Last evaluated: 2024-11-15. Review status: criteria provided, single submitter. Criteria: ACMG Guidelines, 2015. Collection method: clinical testing. Allele origin: germline.

Genetic Services Laboratory, University of Chicago
Classification: Likely benign. Last evaluated: 2016-03-23. Review status: criteria provided, single submitter. Criteria: ACMG Guidelines, 2015. Collection method: clinical testing. Allele origin: germline. Affected: no.

PreventionGenetics, part of Exact Sciences
Classification: Likely benign for DTNBP1-related condition. Last evaluated: 2020-06-16. Review status: no assertion criteria provided. Collection method: clinical testing. Allele origin: germline. Not counted in ClinVar's aggregate classification.
Comment: This variant is classified as likely benign based on ACMG/AMP sequence variant interpretation guidelines (Richards et al. 2015 PMID: 25741868, with internal and published modifications).

Clinical Genetics DNA and cytogenetics Diagnostics Lab, Erasmus MC, Erasmus Medical Center
Classification: Uncertain significance. Review status: no assertion criteria provided. Collection method: clinical testing. Allele origin: germline. Affected: yes. Study: VKGL Data-share Consensus. Not counted in ClinVar's aggregate classification.

Clinical Genetics, Academic Medical Center
Classification: Uncertain significance. Review status: no assertion criteria provided. Collection method: clinical testing. Allele origin: germline. Affected: yes. Study: VKGL Data-share Consensus. Not counted in ClinVar's aggregate classification.

NM_032122.5(DTNBP1):c.662G>A (p.Arg221Gln)

Gene: DTNBP1 (dystrobrevin binding protein 1; minus strand). Cytogenetic location: 6p22.3.
Variant type: single nucleotide variant.
Coding change: c.662G>A on transcript NM_032122.5 (MANE Select); coding-DNA position 662, G replaced by A.
Protein change: p.Arg221Gln; replaces arginine 221 with glutamine.
Molecular consequence: missense variant. On other transcripts: non-coding transcript variant (1).
Genome position (GRCh38, 1-based): chr6:15,533,245, C>T on the plus strand (G>A on the coding strand, the complement: DTNBP1 is on the minus strand). VCF-style: chr6-15533245-C-T. GRCh37 (hg19) VCF-style: chr6-15533476-C-T.
Other names: p.Arg221Gln; c.419G>A, p.Arg140Gln (NM_001271667.2); c.611G>A, p.Arg204Gln (NM_001271668.2); c.557G>A, p.Arg186Gln (NM_001271669.2); c.662G>A, p.Arg221Gln (NM_183040.2); short protein forms R221Q, R204Q, R140Q, R186Q.
Identifiers: ClinVar variation 434963 (VCV000434963.23), dbSNP rs76349207, ClinGen allele CA3643968.